The following is an entry in ClinVar:

NM_172107.4(KCNQ2):c.104C>T (p.Thr35Ile)

Gene: KCNQ2 (potassium voltage-gated channel subfamily Q member 2; minus strand). Cytogenetic location: 20q13.33.
Variant type: single nucleotide variant.
Coding change: c.104C>T on transcript NM_172107.4 (MANE Select); coding-DNA position 104, C replaced by T.
Protein change: p.Thr35Ile; replaces threonine 35 with isoleucine.
Molecular consequence: missense variant.
Genome position (GRCh38, 1-based): chr20:63,472,360, G>A on the plus strand (C>T on the coding strand, the complement: KCNQ2 is on the minus strand). VCF-style: chr20-63472360-G-A. GRCh37 (hg19) VCF-style: chr20-62103713-G-A.
Other names: c.104C>T, p.Thr35Ile (NM_001382235.1, NM_004518.6, NM_172106.3 and 2 more transcripts); short protein forms T35I.
Identifiers: ClinVar variation 3366159 (VCV003366159.1).

ClinVar aggregate classification (germline): Uncertain significance (1 of 4 stars; one submission).

Submission:

GeneDx
Classification: Uncertain significance. Last evaluated: 2023-10-25. Review status: criteria provided, single submitter. Criteria: GeneDx Variant Classification Process June 2021. Collection method: clinical testing. Allele origin: germline. Affected: yes.
Comment: Not observed at significant frequency in large population cohorts (gnomAD); Missense variants in this gene are a common cause of disease and they are underrepresented in the general population; In silico analysis supports that this missense variant does not alter protein structure/function; Has not been previously published as pathogenic or benign to our knowledge